The following is an entry in ClinVar:

ClinVar aggregate classification (germline): Uncertain significance. Review status: criteria provided, multiple submitters, no conflicts (2 of 4 stars). 2 submissions from 2 submitters: Uncertain significance (2). Last evaluated 2024-02-14.

Conditions:
Currarino triad. Identifiers: Orphanet 1552, MedGen C1531773, MONDO:0008305, OMIM 176450.

Allele frequency attached by ClinVar (database versions not stated): TOPMed below 0.00001; gnomAD 0.00001; gnomAD exomes 0.00004.
gnomAD v4.1: 32 of 1,610,640 alleles (0.002%); highest among the groups gnomAD compares: African/African-American, 0.0027%; no homozygotes.

Submissions (2):

Fulgent Genetics
Classification: Uncertain significance for Currarino triad. Last evaluated: 2024-02-14. Review status: criteria provided, single submitter. Criteria: ACMG Guidelines, 2015. Collection method: clinical testing. Allele origin: germline.

Labcorp Genetics (formerly Invitae), Labcorp
Classification: Uncertain significance. Last evaluated: 2022-05-12. Review status: criteria provided, single submitter. Criteria: Invitae Variant Classification Sherloc (09022015). Collection method: clinical testing. Allele origin: germline.
Comment: Algorithms developed to predict the effect of missense changes on protein structure and function are either unavailable or do not agree on the potential impact of this missense change (SIFT: "Deleterious"; PolyPhen-2: "Possibly Damaging"; Align-GVGD: "Class C0"). In summary, the available evidence is currently insufficient to determine the role of this variant in disease. Therefore, it has been classified as a Variant of Uncertain Significance. This variant has not been reported in the literature in individuals affected with MNX1-related conditions. This variant is not present in population databases (gnomAD no frequency). This sequence change replaces aspartic acid, which is acidic and polar, with asparagine, which is neutral and polar, at codon 350 of the MNX1 protein (p.Asp350Asn).

NM_005515.4(MNX1):c.1048G>A (p.Asp350Asn)

Gene: MNX1 (motor neuron and pancreas homeobox 1; minus strand). Cytogenetic location: 7q36.3.
Variant type: single nucleotide variant.
Coding change: c.1048G>A on transcript NM_005515.4 (MANE Select); coding-DNA position 1048, G replaced by A.
Protein change: p.Asp350Asn; replaces aspartic acid 350 with asparagine.
Molecular consequence: missense variant.
Genome position (GRCh38, 1-based): chr7:157,005,678, C>T on the plus strand (G>A on the coding strand, the complement: MNX1 is on the minus strand). VCF-style: chr7-157005678-C-T. GRCh37 (hg19) VCF-style: chr7-156798372-C-T.
Other names: c.412G>A, p.Asp138Asn (NM_001165255.2); short protein forms D138N, D350N.
Identifiers: ClinVar variation 1993458 (VCV001993458.5), dbSNP rs1292330977, ClinGen allele CA370161553.